The following is an entry in ClinVar:

NM_000379.4(XDH):c.1523G>C (p.Arg508Pro)

Gene: XDH (xanthine dehydrogenase; minus strand). Cytogenetic location: 2p23.1.
Variant type: single nucleotide variant.
Coding change: c.1523G>C on transcript NM_000379.4 (MANE Select); coding-DNA position 1523, G replaced by C.
Protein change: p.Arg508Pro; replaces arginine 508 with proline.
Molecular consequence: missense variant.
Genome position (GRCh38, 1-based): chr2:31,375,459, C>G on the plus strand (G>C on the coding strand, the complement: XDH is on the minus strand). VCF-style: chr2-31375459-C-G. GRCh37 (hg19) VCF-style: chr2-31598325-C-G.
Other names: short protein forms R508P.
Identifiers: ClinVar variation 1713647 (VCV001713647.4), dbSNP rs148603901, ClinGen allele CA346507376.

ClinVar aggregate classification (germline): Uncertain significance (1 of 4 stars; one submission).

Conditions:
Xanthinuria type II. Also called: Xanthine dehydrogenase and aldehyde oxidase combined deficiency of; XDH and AOX dual deficiency. Identifiers: Orphanet 3467, Orphanet 93602, MedGen C1863688, MONDO:0011346, OMIM 603592.

Submission:

Labcorp Genetics (formerly Invitae), Labcorp
Classification: Uncertain significance for Xanthinuria type II. Last evaluated: 2023-12-18. Review status: criteria provided, single submitter. Criteria: Invitae Variant Classification Sherloc (09022015). Collection method: clinical testing. Allele origin: germline.
Comment: This sequence change replaces arginine, which is basic and polar, with proline, which is neutral and non-polar, at codon 508 of the XDH protein (p.Arg508Pro). This variant is not present in population databases (gnomAD no frequency). This variant has not been reported in the literature in individuals affected with XDH-related conditions. ClinVar contains an entry for this variant (Variation ID: 1713647). An algorithm developed to predict the effect of missense changes on protein structure and function (PolyPhen-2) suggests that this variant is likely to be disruptive. In summary, the available evidence is currently insufficient to determine the role of this variant in disease. Therefore, it has been classified as a Variant of Uncertain Significance.